The following is an entry in ClinVar:

ClinVar aggregate classification (germline): Uncertain significance. Review status: criteria provided, multiple submitters, no conflicts (2 of 4 stars). 4 submissions from 4 submitters: Uncertain significance (4). Last evaluated 2025-11-24.

Conditions:
Familial cancer of breast. Also called: BREAST CANCER, FAMILIAL; hereditary breast carcinoma; Hereditary breast cancer. Identifiers: Orphanet 227535, MedGen C0346153, MONDO:0016419, OMIM 114480. Disease mechanism: loss of function.
Fanconi anemia complementation group J. Also called: BRIP1-Related Fanconi Anemia. Identifiers: Orphanet 84, MedGen C1836860, MONDO:0012187, OMIM 609054.
Hereditary cancer-predisposing syndrome. Also called: Neoplastic Syndromes, Hereditary; Tumor predisposition; Hereditary neoplastic syndrome; Hereditary Cancer Syndrome. Identifiers: Orphanet 140162, MedGen C0027672, MeSH D009386, MONDO:0015356.

Allele frequency attached by ClinVar (database versions not stated): gnomAD 0.00001.
gnomAD v4.1: 2 of 1,611,154 alleles (0.00012%); highest among the groups gnomAD compares: Admixed American, 0.0033%; no homozygotes.

Submissions (4):

Labcorp Genetics (formerly Invitae), Labcorp
Classification: Uncertain significance for Familial cancer of breast; Fanconi anemia complementation group J. Last evaluated: 2025-11-24. Review status: criteria provided, single submitter. Criteria: Invitae Variant Classification Sherloc (09022015). Collection method: clinical testing. Allele origin: germline.
Comment: This sequence change replaces arginine, which is basic and polar, with lysine, which is basic and polar, at codon 834 of the BRIP1 protein (p.Arg834Lys). This variant is not present in population databases (gnomAD no frequency). This variant has not been reported in the literature in individuals affected with BRIP1-related conditions. ClinVar contains an entry for this variant (Variation ID: 1792260). Invitae Evidence Modeling of protein sequence and biophysical properties (such as structural, functional, and spatial information, amino acid conservation, physicochemical variation, residue mobility, and thermodynamic stability) has been performed for this missense variant. However, the output from this modeling did not meet the statistical confidence thresholds required to predict the impact of this variant on BRIP1 protein function. In summary, the available evidence is currently insufficient to determine the role of this variant in disease. Therefore, it has been classified as a Variant of Uncertain Significance.

Women's Health and Genetics/Laboratory Corporation of America, LabCorp
Classification: Uncertain significance. Last evaluated: 2025-10-06. Review status: criteria provided, single submitter. Criteria: LabCorp Variant Classification Summary - May 2015. Collection method: clinical testing. Allele origin: germline.

Ambry Genetics
Classification: Uncertain significance for Hereditary cancer-predisposing syndrome. Last evaluated: 2024-07-11. Review status: criteria provided, single submitter. Criteria: Ambry Variant Classification Scheme 2023. Collection method: clinical testing. Allele origin: germline.
Comment: The p.R834K variant (also known as c.2501G>A), located in coding exon 17 of the BRIP1 gene, results from a G to A substitution at nucleotide position 2501. The arginine at codon 834 is replaced by lysine, an amino acid with highly similar properties. This amino acid position is conserved. In addition, this alteration is predicted to be deleterious by in silico analysis. Since supporting evidence is limited at this time, the clinical significance of this alteration remains unclear.

Baylor Genetics
Classification: Uncertain significance for Familial cancer of breast. Last evaluated: 2023-11-02. Review status: criteria provided, single submitter. Criteria: ACMG Guidelines, 2015. Collection method: clinical testing. Allele origin: unknown.

NM_032043.3(BRIP1):c.2501G>A (p.Arg834Lys)

Gene: BRIP1 (BRCA1 interacting DNA helicase 1; minus strand). Cytogenetic location: 17q23.2.
Variant type: single nucleotide variant.
Coding change: c.2501G>A on transcript NM_032043.3 (MANE Select); coding-DNA position 2501, G replaced by A.
Protein change: p.Arg834Lys; replaces arginine 834 with lysine.
Molecular consequence: missense variant.
Genome position (GRCh38, 1-based): chr17:61,693,504, C>T on the plus strand (G>A on the coding strand, the complement: BRIP1 is on the minus strand). VCF-style: chr17-61693504-C-T. GRCh37 (hg19) VCF-style: chr17-59770865-C-T.
Other names: short protein forms R834K.
Identifiers: ClinVar variation 1792260 (VCV001792260.10), dbSNP rs2061479079, ClinGen allele CA400482493.
Genomic context (GRCh38, chr17:61,693,504, plus strand): 5'-CTTGGGTTATTCCTAAAGCGATCATCCACTAGAATAAGAGCTCCCCAATCATTTCTGTGT[C>T]TAATACATCTAGAAAAAATAGGGAAAAAGTCAAATAATTATAACATCGGAAATAAATCCA-3'
Protein context (NP_114432.2, residues 824-844): ALNQALGRCI[Arg834Lys]HRNDWGALIL